The following is an entry in ClinVar:

NM_001330260.2(SCN8A):c.11G>A (p.Arg4Gln)

Genes: SCN8A (sodium voltage-gated channel alpha subunit 8; plus strand), LOC114803470 (SCN8A eExon liver enhancer; plus strand). Cytogenetic location: 12q13.13.
Variant type: single nucleotide variant.
Coding change: c.11G>A on transcript NM_001330260.2 (MANE Select); coding-DNA position 11, G replaced by A.
Protein change: p.Arg4Gln; replaces arginine 4 with glutamine.
Molecular consequence: missense variant.
Genome position (GRCh38, 1-based): chr12:51,662,828, G>A. VCF-style: chr12-51662828-G-A. GRCh37 (hg19) VCF-style: chr12-52056612-G-A.
Other names: c.11G>A, p.Arg4Gln (NM_001177984.3, NM_001369788.1, NM_014191.4); short protein forms R4Q.
Identifiers: ClinVar variation 449257 (VCV000449257.6), dbSNP rs751889285, ClinGen allele CA6570985.

ClinVar aggregate classification (germline): Uncertain significance. Review status: criteria provided, multiple submitters, no conflicts (2 of 4 stars). 2 submissions from 2 submitters: Uncertain significance (2). Last evaluated 2024-10-20.

Conditions:
Early-infantile DEE. Also called: Early infantile epileptic encephalopathy with suppression bursts; Early infantile epileptic encephalopathy; Ohtahara syndrome. Identifiers: Orphanet 1934, MedGen C0393706, MONDO:0800491.

Allele frequency attached by ClinVar (database versions not stated): gnomAD 0.00001; gnomAD exomes 0.00001; TOPMed 0.00001; ExAC 0.00002.
gnomAD v4.1: 19 of 1,613,636 alleles (0.0012%); highest among the groups gnomAD compares: East Asian, 0.0022%; no homozygotes.

Submissions (2):

Labcorp Genetics (formerly Invitae), Labcorp
Classification: Uncertain significance for Early-infantile DEE. Last evaluated: 2024-10-20. Review status: criteria provided, single submitter. Criteria: Invitae Variant Classification Sherloc (09022015). Collection method: clinical testing. Allele origin: germline.
Comment: This sequence change replaces arginine, which is basic and polar, with glutamine, which is neutral and polar, at codon 4 of the SCN8A protein (p.Arg4Gln). This variant is present in population databases (rs751889285, gnomAD 0.005%). This variant has not been reported in the literature in individuals affected with SCN8A-related conditions. ClinVar contains an entry for this variant (Variation ID: 449257). Invitae Evidence Modeling of protein sequence and biophysical properties (such as structural, functional, and spatial information, amino acid conservation, physicochemical variation, residue mobility, and thermodynamic stability) indicates that this missense variant is not expected to disrupt SCN8A protein function with a negative predictive value of 95%. In summary, the available evidence is currently insufficient to determine the role of this variant in disease. Therefore, it has been classified as a Variant of Uncertain Significance.

GeneDx
Classification: Uncertain significance. Last evaluated: 2017-10-09. Review status: criteria provided, single submitter. Criteria: GeneDx Variant Classification (06012015). Collection method: clinical testing. Allele origin: germline. Affected: yes.
Comment: The R4Q variant has not been published as a pathogenic variant, nor has it been reported as a benign variant to our knowledge. The R4Q variant is observed in 1/18848 alleles from individuals of East Asian background (Lek et al., 2016). The R4Q variant is a semi-conservative amino acid substitution, which may impact secondary protein structure as these residues differ in some properties. However, this substitution occurs at a position that is not conserved, and Glutamine is observed at this position in evolution. In silico analysis is inconsistent in its predictions as to whether or not the variant is damaging to the protein structure/function. Therefore, based on the currently available information, it is unclear whether this variant is a pathogenic variant or a rare benign variant.